The following is an entry in ClinVar:

NM_002303.6(LEPR):c.2674-5945A>G

Gene: LEPR (leptin receptor; plus strand). Cytogenetic location: 1p31.3.
Variant type: single nucleotide variant.
Coding change: c.2674-5945A>G on transcript NM_002303.6 (MANE Select); 5945 bases into the intron before coding-DNA position 2674, A replaced by G.
Molecular consequence: intron variant. On other transcripts: synonymous variant (2).
Genome position (GRCh38, 1-based): chr1:65,630,246, A>G. VCF-style: chr1-65630246-A-G. GRCh37 (hg19) VCF-style: chr1-66095929-A-G.
Other names: c.2718A>G, p.Leu906= (NM_001003680.3, NM_001198687.2); c.2674-2906A>G (NM_001003679.3, NM_001198689.2).
Identifiers: ClinVar variation 4977714 (VCV004977714.1).

ClinVar aggregate classification (germline): Likely benign (1 of 4 stars; one submission).

Conditions:
LEPR-related disorder. Also called: LEPR-related condition; LEPR-related disorders.

Submission:

PreventionGenetics, part of Exact Sciences
Classification: Likely benign for LEPR-related condition. Last evaluated: 2026-09-14. Review status: criteria provided, single submitter. Criteria: ACMG Guidelines, 2015. Collection method: clinical testing. Allele origin: germline.
Comment: This variant is classified as likely benign based on ACMG/AMP sequence variant interpretation guidelines (Richards et al. 2015 PMID: 25741868, with internal and published modifications).